The following is an entry in ClinVar:

ClinVar aggregate classification (germline): Uncertain significance (1 of 4 stars; one submission).

Conditions:
Ehlers-Danlos syndrome, type 4 (EDSVASC). Also called: Ehlers-Danlos Syndrome Type IV; Ehlers-Danlos syndrome vascular type; Ehlers Danlos syndrome, ecchymotic type; Ehlers Danlos syndrome, arterial type; Ehlers Danlos syndrome, Sack-Barabas type. Identifiers: Orphanet 286, MedGen C0268338, MONDO:0017314, OMIM 130050.

Submission:

All of Us Research Program, National Institutes of Health
Classification: Uncertain significance for Ehlers-Danlos syndrome, type 4. Last evaluated: 2022-11-28. Review status: criteria provided, single submitter. Criteria: ACMG Guidelines, 2015. Collection method: clinical testing. Allele origin: germline. Inheritance: Autosomal dominant inheritance. Observed: 1 variant allele, 1 heterozygote.
Comment: This study involves interpretation of variants in research participants for the purpose of population health screening. Participant phenotype was not available at the time of variant classification. Additional details can be found in publication PMID: 35346344, PMCID: PMC8962531

NM_000090.4(COL3A1):c.2441C>T (p.Ala814Val)

Genes: COL3A1 (collagen type III alpha 1 chain; plus strand), LOC126806446 (P300/CBP strongly-dependent group 1 enhancer GRCh37_chr2:189866210-189867409; plus strand). Cytogenetic location: 2q32.2.
Variant type: single nucleotide variant.
Coding change: c.2441C>T on transcript NM_000090.4 (MANE Select); coding-DNA position 2441, C replaced by T.
Protein change: p.Ala814Val; replaces alanine 814 with valine.
Molecular consequence: missense variant.
Genome position (GRCh38, 1-based): chr2:189,002,347, C>T. VCF-style: chr2-189002347-C-T. GRCh37 (hg19) VCF-style: chr2-189867073-C-T.
Other names: short protein forms A814V.
Identifiers: ClinVar variation 3069304 (VCV003069304.1), dbSNP rs2469149472, ClinGen allele CA349842673.